The following is an entry in ClinVar:

NM_001943.5(DSG2):c.1673A>G (p.Gln558Arg)

Gene: DSG2 (desmoglein 2; plus strand). Cytogenetic location: 18q12.1.
Variant type: single nucleotide variant.
Coding change: c.1673A>G on transcript NM_001943.5 (MANE Select); coding-DNA position 1673, A replaced by G.
Protein change: p.Gln558Arg; replaces glutamine 558 with arginine.
Molecular consequence: missense variant.
Genome position (GRCh38, 1-based): chr18:31,538,772, A>G. VCF-style: chr18-31538772-A-G. GRCh37 (hg19) VCF-style: chr18-29118735-A-G.
Other names: short protein forms Q558R.
Identifiers: ClinVar variation 3505429 (VCV003505429.2).

ClinVar aggregate classification (germline): Conflicting classifications of pathogenicity. Review status: criteria provided, conflicting classifications (1 of 4 stars). 2 submissions from 2 submitters: Uncertain significance (1); Likely benign (1). Last evaluated 2025-08-14.

Conditions:
Cardiomyopathy (CMYO). Also called: Cardiomyopathies. Identifiers: Orphanet 167848, MedGen C0878544, MONDO:0004994, HP:0001638. Inheritance: Various modes of inheritance.
Cardiovascular phenotype. Identifiers: MedGen CN230736.

Submissions (2):

Color Diagnostics, LLC DBA Color Health
Classification: Uncertain significance for Cardiomyopathy. Last evaluated: 2025-08-14. Review status: criteria provided, single submitter. Criteria: ACMG Guidelines, 2015. Collection method: clinical testing. Allele origin: germline.
Comment: This missense variant replaces glutamine with arginine at codon 558 of the DSG2 protein. Computational prediction suggests that this variant may not impact protein structure and function. To our knowledge, functional studies have not been reported for this variant. This variant has not been reported in individuals affected with DSG2-related disorders in the literature. This variant has not been identified in the general population by the Genome Aggregation Database (gnomAD). The available evidence is insufficient to determine the role of this variant in disease conclusively. Therefore, this variant is classified as a Variant of Uncertain Significance.

Ambry Genetics
Classification: Likely benign for Cardiovascular phenotype. Last evaluated: 2024-12-09. Review status: criteria provided, single submitter. Criteria: Ambry Variant Classification Scheme 2023. Collection method: clinical testing. Allele origin: germline.